The following is an entry in ClinVar:

NM_001130438.3(SPTAN1):c.2617G>A (p.Glu873Lys)

Gene: SPTAN1 (spectrin alpha, non-erythrocytic 1; plus strand). Cytogenetic location: 9q34.11.
Variant type: single nucleotide variant.
Coding change: c.2617G>A on transcript NM_001130438.3 (MANE Select); coding-DNA position 2617, G replaced by A.
Protein change: p.Glu873Lys; replaces glutamic acid 873 with lysine.
Molecular consequence: missense variant.
Genome position (GRCh38, 1-based): chr9:128,585,804, G>A. VCF-style: chr9-128585804-G-A. GRCh37 (hg19) VCF-style: chr9-131348083-G-A.
Other names: c.2617G>A, p.Glu873Lys (NM_001195532.2, NM_001363759.2, NM_001363765.2 and 5 more transcripts); c.2653G>A, p.Glu885Lys (NM_001375312.2, NM_001375318.1); short protein forms E873K, E885K.
Identifiers: ClinVar variation 953167 (VCV000953167.14), dbSNP rs776279771, ClinGen allele CA5264689.

ClinVar aggregate classification (germline): Uncertain significance. Review status: criteria provided, multiple submitters, no conflicts (2 of 4 stars). 3 submissions from 3 submitters: Uncertain significance (3). Last evaluated 2024-12-07.

Conditions:
Early-infantile DEE. Also called: Ohtahara syndrome; Early infantile epileptic encephalopathy; Early infantile epileptic encephalopathy with suppression bursts. Identifiers: Orphanet 1934, MedGen C0393706, MONDO:0800491.
Developmental and epileptic encephalopathy, 5 (DEE5). Identifiers: Orphanet 3451, MedGen C3150731, MONDO:0013277, OMIM 613477.

Allele frequency attached by ClinVar (database versions not stated): gnomAD exomes below 0.00001 and 0.00002; ExAC 0.00001; gnomAD 0.00001; TOPMed 0.00002.
gnomAD v4.1: 25 of 1,614,098 alleles (0.0015%); highest among the groups gnomAD compares: Non-Finnish European, 0.0019%; no homozygotes.

Submissions (3):

Labcorp Genetics (formerly Invitae), Labcorp
Classification: Uncertain significance for Early-infantile DEE. Last evaluated: 2024-12-07. Review status: criteria provided, single submitter. Criteria: Invitae Variant Classification Sherloc (09022015). Collection method: clinical testing. Allele origin: germline.
Comment: This sequence change replaces glutamic acid, which is acidic and polar, with lysine, which is basic and polar, at codon 873 of the SPTAN1 protein (p.Glu873Lys). This variant is present in population databases (rs776279771, gnomAD 0.003%). This variant has not been reported in the literature in individuals affected with SPTAN1-related conditions. ClinVar contains an entry for this variant (Variation ID: 953167). Invitae Evidence Modeling of protein sequence and biophysical properties (such as structural, functional, and spatial information, amino acid conservation, physicochemical variation, residue mobility, and thermodynamic stability) has been performed for this missense variant. However, the output from this modeling did not meet the statistical confidence thresholds required to predict the impact of this variant on SPTAN1 protein function. In summary, the available evidence is currently insufficient to determine the role of this variant in disease. Therefore, it has been classified as a Variant of Uncertain Significance.

Genome-Nilou Lab
Classification: Uncertain significance for Developmental and epileptic encephalopathy, 5. Last evaluated: 2021-07-15. Review status: criteria provided, single submitter. Criteria: ACMG Guidelines, 2015. Collection method: clinical testing. Allele origin: germline. Affected: no.

Institute of Human Genetics, University of Leipzig Medical Center
Classification: Uncertain significance for Developmental and epileptic encephalopathy, 5. Last evaluated: 2019-01-01. Review status: criteria provided, single submitter. Criteria: ACMG Guidelines, 2015. Collection method: clinical testing. Allele origin: unknown. Affected: yes.